The following is an entry in ClinVar:

ClinVar aggregate classification (germline): Uncertain significance. Review status: criteria provided, multiple submitters, no conflicts (2 of 4 stars). 2 submissions from 2 submitters: Uncertain significance (2). Last evaluated 2024-05-31.

Conditions:
Hereditary cancer-predisposing syndrome. Also called: Hereditary Cancer Syndrome; Tumor predisposition; Neoplastic Syndromes, Hereditary; Hereditary neoplastic syndrome. Identifiers: Orphanet 140162, MedGen C0027672, MeSH D009386, MONDO:0015356.
Neuroblastoma, susceptibility to, 3. Also called: ALK-Related Neuroblastic Tumor Susceptibility. Identifiers: Orphanet 635, MedGen C2751681, MONDO:0013083, OMIM 613014.

Allele frequency attached by ClinVar (database versions not stated): ExAC 0.00001; TOPMed 0.00001; gnomAD 0.00002; ESP Exome Variant Server 0.00008.

Submissions (2):

Labcorp Genetics (formerly Invitae), Labcorp
Classification: Uncertain significance for Neuroblastoma, susceptibility to, 3. Last evaluated: 2024-05-31. Review status: criteria provided, single submitter. Criteria: Invitae Variant Classification Sherloc (09022015). Collection method: clinical testing. Allele origin: germline.
Comment: This sequence change replaces proline, which is neutral and non-polar, with serine, which is neutral and polar, at codon 1441 of the ALK protein (p.Pro1441Ser). This variant is present in population databases (rs376663453, gnomAD 0.004%). This variant has not been reported in the literature in individuals affected with ALK-related conditions. An algorithm developed to predict the effect of missense changes on protein structure and function (PolyPhen-2) suggests that this variant is likely to be tolerated. In summary, the available evidence is currently insufficient to determine the role of this variant in disease. Therefore, it has been classified as a Variant of Uncertain Significance.

Ambry Genetics
Classification: Uncertain significance for Hereditary cancer-predisposing syndrome. Last evaluated: 2024-01-19. Review status: criteria provided, single submitter. Criteria: Ambry Variant Classification Scheme 2023. Collection method: clinical testing. Allele origin: germline.
Comment: The p.P1441S variant (also known as c.4321C>T), located in coding exon 29 of the ALK gene, results from a C to T substitution at nucleotide position 4321. The proline at codon 1441 is replaced by serine, an amino acid with similar properties. This amino acid position is conserved. In addition, this alteration is predicted to be tolerated by in silico analysis. Based on the available evidence, the clinical significance of this alteration remains unclear.

NM_004304.5(ALK):c.4321C>T (p.Pro1441Ser)

Gene: ALK (ALK receptor tyrosine kinase; minus strand). Cytogenetic location: 2p23.2.
Variant type: single nucleotide variant.
Coding change: c.4321C>T on transcript NM_004304.5 (MANE Select); coding-DNA position 4321, C replaced by T.
Protein change: p.Pro1441Ser; replaces proline 1441 with serine.
Molecular consequence: missense variant.
Genome position (GRCh38, 1-based): chr2:29,193,766, G>A on the plus strand (C>T on the coding strand, the complement: ALK is on the minus strand). VCF-style: chr2-29193766-G-A. GRCh37 (hg19) VCF-style: chr2-29416632-G-A.
Other names: c.1117C>T, p.Pro373Ser (NM_001353765.2); short protein forms P1441S, P373S.
Identifiers: ClinVar variation 3223899 (VCV003223899.3), dbSNP rs376663453, ClinGen allele CA1593598.